The following is an entry in ClinVar:

NM_001042492.3(NF1):c.1291G>T (p.Ala431Ser)

Gene: NF1 (neurofibromin 1; plus strand). Cytogenetic location: 17q11.2.
Variant type: single nucleotide variant.
Coding change: c.1291G>T on transcript NM_001042492.3 (MANE Select); coding-DNA position 1291, G replaced by T.
Protein change: p.Ala431Ser; replaces alanine 431 with serine.
Molecular consequence: missense variant.
Genome position (GRCh38, 1-based): chr17:31,206,270, G>T. VCF-style: chr17-31206270-G-T. GRCh37 (hg19) VCF-style: chr17-29533288-G-T.
Other names: c.1291G>T, p.Ala431Ser (NM_000267.4, NM_001128147.3); short protein forms A431S.
Identifiers: ClinVar variation 2992340 (VCV002992340.3), dbSNP rs2066619337, ClinGen allele CA398999231.

ClinVar aggregate classification (germline): Uncertain significance (1 of 4 stars; one submission).

Conditions:
Neurofibromatosis, type 1 (NF1). Also called: NEUROFIBROMATOSIS, TYPE I, SOMATIC; Neurofibromatosis, type I; Peripheral type neurofibromatosis; VON RECKLINGHAUSEN DISEASE. Identifiers: Orphanet 636, MedGen C0027831, MONDO:0018975, OMIM 162200. Disease mechanism: loss of function.

Submission:

Labcorp Genetics (formerly Invitae), Labcorp
Classification: Uncertain significance for Neurofibromatosis, type 1. Last evaluated: 2023-11-14. Review status: criteria provided, single submitter. Criteria: Invitae Variant Classification Sherloc (09022015). Collection method: clinical testing. Allele origin: germline.
Comment: This sequence change replaces alanine, which is neutral and non-polar, with serine, which is neutral and polar, at codon 431 of the NF1 protein (p.Ala431Ser). This variant is not present in population databases (gnomAD no frequency). This variant has not been reported in the literature in individuals affected with NF1-related conditions. Advanced modeling of protein sequence and biophysical properties (such as structural, functional, and spatial information, amino acid conservation, physicochemical variation, residue mobility, and thermodynamic stability) has been performed at Invitae for this missense variant, however the output from this modeling did not meet the statistical confidence thresholds required to predict the impact of this variant on NF1 protein function. In summary, the available evidence is currently insufficient to determine the role of this variant in disease. Therefore, it has been classified as a Variant of Uncertain Significance.